The following is an entry in ClinVar:

ClinVar aggregate classification (germline): Pathogenic. Review status: criteria provided, multiple submitters, no conflicts (2 of 4 stars). 2 submissions from 2 submitters: Pathogenic (2). Last evaluated 2024-03-29.

Conditions:
Breast-ovarian cancer, familial, susceptibility to, 2 (BROVCA2). Also called: BRCA2 Hereditary Breast and Ovarian Cancer. Identifiers: Orphanet 145, MedGen C2675520, MONDO:0012933, OMIM 612555. Disease mechanism: loss of function.
Hereditary cancer-predisposing syndrome. Also called: Neoplastic Syndromes, Hereditary; Tumor predisposition; Hereditary Cancer Syndrome; Hereditary neoplastic syndrome. Identifiers: Orphanet 140162, MedGen C0027672, MeSH D009386, MONDO:0015356.

Submissions (2):

Myriad Genetics, Inc.
Classification: Pathogenic for Breast-ovarian cancer, familial, susceptibility to, 2. Last evaluated: 2024-03-29. Review status: criteria provided, single submitter. Criteria: Myriad Autosomal Dominant, Autosomal Recessive and X-Linked Classification Criteria (2023). Collection method: clinical testing. Allele origin: unknown.
Comment: This variant is considered pathogenic. This variant creates a frameshift predicted to result in premature protein truncation.

Ambry Genetics
Classification: Pathogenic for Hereditary cancer-predisposing syndrome. Last evaluated: 2022-04-21. Review status: criteria provided, single submitter. Criteria: Ambry Variant Classification Scheme 2023. Collection method: clinical testing. Allele origin: germline.
Comment: The c.3230_3231insAGTAG pathogenic mutation, located in coding exon 10 of the BRCA2 gene, results from an insertion of 5 nucleotides at position 3230, causing a translational frameshift with a predicted alternate stop codon (p.S1079Vfs*10). This variant is considered to be rare based on population cohorts in the Genome Aggregation Database (gnomAD). This alteration is expected to result in loss of function by premature protein truncation or nonsense-mediated mRNA decay. As such, this alteration is interpreted as a disease-causing mutation.

NM_000059.4(BRCA2):c.3230_3231insAGTAG (p.Ser1079fs)

Gene: BRCA2 (BRCA2 DNA repair associated; plus strand). Cytogenetic location: 13q13.1.
Variant type: Insertion.
Coding change: c.3230_3231insAGTAG on transcript NM_000059.4 (MANE Select); coding-DNA positions 3230 to 3231, AGTAG inserted.
Protein change: p.Ser1079fs; shifts the reading frame from serine 1079.
Molecular consequence: frameshift variant.
Genome position: GRCh38 VCF-style: chr13-32337585-T-TAGTAG. GRCh37 (hg19) VCF-style: chr13-32911722-T-TAGTAG.
Other names: c.3230_3231insAGTAG, p.Ser1079Valfs (NM_001406719.1, NM_001406720.1); short protein forms S1079fs.
Identifiers: ClinVar variation 1729188 (VCV001729188.2), dbSNP rs2548525501, ClinGen allele CA2580087058.
Genomic context (GRCh38, chr13:32,337,585, plus strand): 5'-AGAAACTGAGCAAGCCTCAGTCAATTAATACTGTATCTGCACATTTACAGAGTAGTGTAG[T>TAGTAG]TGTTTCTGATTGTAAAAATAGTCATATAACCCCTCAGATGTTATTTTCCAAGCAGGATTT-3'